The following is an entry in ClinVar:

ClinVar aggregate classification (germline): Likely benign. Review status: criteria provided, single submitter (1 of 4 stars). 2 submissions from 2 submitters: Likely benign (1). 1 of the submissions does not count toward it. Last evaluated 2026-02-03.

Conditions:
Early-infantile DEE. Also called: Early infantile epileptic encephalopathy with suppression bursts; Ohtahara syndrome; Early infantile epileptic encephalopathy. Identifiers: Orphanet 1934, MedGen C0393706, MONDO:0800491.
CACNA2D2-related disorder. Also called: CACNA2D2-related condition.

Allele frequency attached by ClinVar (database versions not stated): gnomAD exomes 0.00008; ExAC 0.00013; gnomAD 0.00029; TOPMed 0.00029; ESP Exome Variant Server 0.00031; 1000 Genomes Project 0.00040; 1000 Genomes Project 30x 0.00062.

Submissions (2):

Labcorp Genetics (formerly Invitae), Labcorp
Classification: Likely benign for Early-infantile DEE. Last evaluated: 2026-02-03. Review status: criteria provided, single submitter. Criteria: Invitae Variant Classification Sherloc (09022015). Collection method: clinical testing. Allele origin: germline.

PreventionGenetics, part of Exact Sciences
Classification: Likely benign for CACNA2D2-related condition. Last evaluated: 2022-08-10. Review status: no assertion criteria provided. Collection method: clinical testing. Allele origin: germline. Not counted in ClinVar's aggregate classification.
Comment: This variant is classified as likely benign based on ACMG/AMP sequence variant interpretation guidelines (Richards et al. 2015 PMID: 25741868, with internal and published modifications).

NM_006030.4(CACNA2D2):c.1390-9C>A

Gene: CACNA2D2 (calcium voltage-gated channel auxiliary subunit alpha2delta 2; minus strand). Cytogenetic location: 3p21.31.
Variant type: single nucleotide variant.
Coding change: c.1390-9C>A on transcript NM_006030.4 (MANE Select); 9 bases into the intron before coding-DNA position 1390, C replaced by A.
Molecular consequence: intron variant.
Genome position (GRCh38, 1-based): chr3:50,378,106, G>T on the plus strand (C>A on the coding strand, the complement: CACNA2D2 is on the minus strand). VCF-style: chr3-50378106-G-T. GRCh37 (hg19) VCF-style: chr3-50415537-G-T.
Other names: c.1183-9C>A (NM_001291101.1); c.1390-9C>A (NM_001005505.3, NM_001174051.3).
Identifiers: ClinVar variation 696863 (VCV000696863.13), dbSNP rs200790128, ClinGen allele CA2418864.